The following is an entry in ClinVar:

NM_001382241.1(TNPO2):c.1060G>A (p.Gly354Ser)

Gene: TNPO2 (transportin 2; minus strand). Cytogenetic location: 19p13.13.
Variant type: single nucleotide variant.
Coding change: c.1060G>A on transcript NM_001382241.1 (MANE Select); coding-DNA position 1060, G replaced by A.
Protein change: p.Gly354Ser; replaces glycine 354 with serine.
Molecular consequence: missense variant. On other transcripts: non-coding transcript variant (5).
Genome position (GRCh38, 1-based): chr19:12,711,353, C>T on the plus strand (G>A on the coding strand, the complement: TNPO2 is on the minus strand). VCF-style: chr19-12711353-C-T. GRCh37 (hg19) VCF-style: chr19-12822167-C-T.
Other names: c.1060G>A, p.Gly354Ser (NM_001136195.2, NM_001136196.2, NM_001382236.1 and 7 more transcripts); short protein forms G354S.
Identifiers: ClinVar variation 3327666 (VCV003327666.1).

ClinVar aggregate classification (germline): Uncertain significance (1 of 4 stars; one submission).

Conditions:
Inborn genetic diseases. Identifiers: MedGen C0950123, MeSH D030342.

Submission:

Ambry Genetics
Classification: Uncertain significance for Inborn genetic diseases. Last evaluated: 2024-06-10. Review status: criteria provided, single submitter. Criteria: Ambry Variant Classification Scheme 2023. Collection method: clinical testing. Allele origin: germline.
Comment: The c.1060G>A (p.G354S) alteration is located in exon 11 (coding exon 10) of the TNPO2 gene. This alteration results from a G to A substitution at nucleotide position 1060, causing the glycine (G) at amino acid position 354 to be replaced by a serine (S). This variant was not reported in population-based cohorts in the Genome Aggregation Database (gnomAD). This amino acid position is not well conserved in available vertebrate species. This alteration is predicted to be tolerated by in silico analysis. Based on insufficient or conflicting evidence, the clinical significance of this alteration remains unclear.